The following is an entry in ClinVar:

NM_022773.4(LMF1):c.1584C>T (p.His528=)

Gene: LMF1 (lipase maturation factor 1; minus strand). Cytogenetic location: 16p13.3.
Variant type: single nucleotide variant.
Coding change: c.1584C>T on transcript NM_022773.4 (MANE Select); coding-DNA position 1584, C replaced by T.
Protein change: p.His528=; no amino-acid change (histidine 528 retained).
Molecular consequence: synonymous variant. On other transcripts: missense variant (1), non-coding transcript variant (1).
Genome position (GRCh38, 1-based): chr16:854,652, G>A on the plus strand (C>T on the coding strand, the complement: LMF1 is on the minus strand). VCF-style: chr16-854652-G-A. GRCh37 (hg19) VCF-style: chr16-904652-G-A.
Other names: c.933C>T, p.His311= (NM_001352017.2, NM_001352021.2); c.1185C>T, p.His395= (NM_001352018.2); c.1257C>T, p.His419= (NM_001352019.2); c.1504C>T, p.Arg502Cys (NM_001352020.1); short protein forms R502C.
Identifiers: ClinVar variation 1775769 (VCV001775769.8), dbSNP rs560030260, ClinGen allele CA7796871.

ClinVar aggregate classification (germline): Benign/Likely benign. Review status: criteria provided, multiple submitters, no conflicts (2 of 4 stars). 4 submissions from 4 submitters: Benign (1); Likely benign (2). 1 of the submissions does not count toward it. Last evaluated 2025-11-09.

Conditions:
LMF1-related disorder. Also called: LMF1-related condition.
Cardiovascular phenotype. Identifiers: MedGen CN230736.

Allele frequency attached by ClinVar (database versions not stated): TOPMed 0.00006; gnomAD 0.00027; ExAC 0.00056.
gnomAD v4.1: 254 of 1,605,576 alleles (0.016%); highest among the groups gnomAD compares: Middle Eastern, 0.049%; 1 homozygote.

Submissions (4):

Labcorp Genetics (formerly Invitae), Labcorp
Classification: Benign. Last evaluated: 2025-11-09. Review status: criteria provided, single submitter. Criteria: Invitae Variant Classification Sherloc (09022015). Collection method: clinical testing. Allele origin: germline.

Blueprint Genetics
Classification: Likely benign. Last evaluated: 2024-10-18. Review status: criteria provided, single submitter. Criteria: ACMG Guidelines, 2015. Collection method: clinical testing. Allele origin: germline.

Ambry Genetics
Classification: Likely benign for Cardiovascular phenotype. Last evaluated: 2021-06-10. Review status: criteria provided, single submitter. Criteria: Ambry Variant Classification Scheme 2023. Collection method: clinical testing. Allele origin: germline.

PreventionGenetics, part of Exact Sciences
Classification: Likely benign for LMF1-related condition. Last evaluated: 2021-03-05. Review status: no assertion criteria provided. Collection method: clinical testing. Allele origin: germline. Not counted in ClinVar's aggregate classification.
Comment: This variant is classified as likely benign based on ACMG/AMP sequence variant interpretation guidelines (Richards et al. 2015 PMID: 25741868, with internal and published modifications).